The following is an entry in ClinVar:

NM_002427.4(MMP13):c.*426A>G

Gene: MMP13 (matrix metallopeptidase 13; minus strand). Cytogenetic location: 11q22.2.
Variant type: single nucleotide variant.
Coding change: c.*426A>G on transcript NM_002427.4 (MANE Select); 426 bases downstream of the stop codon, A replaced by G.
Molecular consequence: 3 prime UTR variant.
Genome position (GRCh38, 1-based): chr11:102,943,840, T>C on the plus strand (A>G on the coding strand, the complement: MMP13 is on the minus strand). VCF-style: chr11-102943840-T-C. GRCh37 (hg19) VCF-style: chr11-102814569-T-C.
Identifiers: ClinVar variation 301968 (VCV000301968.5), dbSNP rs182315436, ClinGen allele CA10636838.

ClinVar aggregate classification (germline): Benign/Likely benign. Review status: criteria provided, single submitter (1 of 4 stars). 2 submissions from 1 submitter: Benign (1); Likely benign (1). Last evaluated 2018-01-13.

Conditions:
Spondyloepimetaphyseal dysplasia, Missouri type. Identifiers: Orphanet 1040, Orphanet 93356, MedGen C1865832, MONDO:0011198, OMIM 602111.
Metaphyseal anadysplasia. Also called: Early-onset regressive form of metaphyseal dysplasia. Identifiers: Orphanet 1040, MedGen C0432226, MONDO:0015177.

Allele frequency attached by ClinVar (database versions not stated): TOPMed 0.00189; gnomAD 0.00173 and 0.00182; 1000 Genomes Project 0.00260; 1000 Genomes Project 30x 0.00297; gnomAD exomes 0.00022.
gnomAD v4.1: 268 of 181,492 alleles (0.15%); highest among the groups gnomAD compares: African/African-American, 0.58%; no homozygotes.

Submissions (2):

Illumina Laboratory Services, Illumina
Classification: Benign for Metaphyseal anadysplasia. Last evaluated: 2018-01-13. Review status: criteria provided, single submitter. Criteria: ICSL Variant Classification Criteria 13 December 2019. Collection method: clinical testing. Allele origin: germline.
Comment: This variant was observed in the ICSL laboratory as part of a predisposition screen in an ostensibly healthy population. It had not been previously curated by ICSL or reported in the Human Gene Mutation Database (HGMD: prior to June 1st, 2018), and was therefore a candidate for classification through an automated scoring system. Utilizing variant allele frequency, disease prevalence and penetrance estimates, and inheritance mode, an automated score was calculated to assess if this variant is too frequent to cause the disease. Based on the score and internal cut-off values, a variant classified as benign is not then subjected to further curation. The score for this variant resulted in a classification of benign for this disease.

Illumina Laboratory Services, Illumina
Classification: Likely benign for Spondyloepimetaphyseal dysplasia, Missouri type. Last evaluated: 2018-01-13. Review status: criteria provided, single submitter. Criteria: ICSL Variant Classification Criteria 13 December 2019. Collection method: clinical testing. Allele origin: germline.
Comment: This variant was observed in the ICSL laboratory as part of a predisposition screen in an ostensibly healthy population. It had not been previously curated by ICSL or reported in the Human Gene Mutation Database (HGMD: prior to June 1st, 2018), and was therefore a candidate for classification through an automated scoring system. Utilizing variant allele frequency, disease prevalence and penetrance estimates, and inheritance mode, an automated score was calculated to assess if this variant is too frequent to cause the disease. Based on the score and internal cut-off values, a variant classified as likely benign is not then subjected to further curation. The score for this variant resulted in a classification of likely benign for this disease.